The following is an entry in ClinVar:

ClinVar aggregate classification (germline): Likely pathogenic (1 of 4 stars; one submission).

Allele frequency attached by ClinVar (database versions not stated): gnomAD exomes below 0.00001.
gnomAD v4.1: 1 of 1,611,950 alleles (0.000062%); highest among the groups gnomAD compares: Non-Finnish European, 0.000085%; no homozygotes.

Submission:

Labcorp Genetics (formerly Invitae), Labcorp
Classification: Likely pathogenic. Last evaluated: 2021-12-13. Review status: criteria provided, single submitter. Criteria: Invitae Variant Classification Sherloc (09022015). Collection method: clinical testing. Allele origin: germline.
Comment: In summary, the currently available evidence indicates that the variant is pathogenic, but additional data are needed to prove that conclusively. Therefore, this variant has been classified as Likely Pathogenic. Algorithms developed to predict the effect of sequence changes on RNA splicing suggest that this variant may disrupt the consensus splice site. This variant has not been reported in the literature in individuals affected with ARMC9-related conditions. This variant is not present in population databases (gnomAD no frequency). This sequence change affects a donor splice site in intron 8 of the ARMC9 gene. It is expected to disrupt RNA splicing. Variants that disrupt the donor or acceptor splice site typically lead to a loss of protein function (PMID: 16199547), and loss-of-function variants in ARMC9 are known to be pathogenic (PMID: 28625504).

Literature cited by the submitters: PubMed 16199547; PubMed 28625504.

NM_001352754.2(ARMC9):c.879+1G>A

Gene: ARMC9 (armadillo repeat containing 9; plus strand). Cytogenetic location: 2q37.1.
Variant type: single nucleotide variant.
Coding change: c.879+1G>A on transcript NM_001352754.2 (MANE Select); the canonical splice donor site of the intron after coding-DNA position 879, G replaced by A.
Molecular consequence: splice donor variant. On other transcripts: intron variant (2).
Genome position (GRCh38, 1-based): chr2:231,240,042, G>A. VCF-style: chr2-231240042-G-A. GRCh37 (hg19) VCF-style: chr2-232104755-G-A.
Other names: c.879+1G>A (NM_001271466.4, NM_001352755.2, NM_001352756.2 and 3 more transcripts); c.780+4661G>A (NM_001352757.2, NM_001352758.2).
Identifiers: ClinVar variation 1493323 (VCV001493323.6), dbSNP rs1574742486, ClinGen allele CA350952579.
Genomic context (GRCh38, chr2:231,240,042, plus strand): 5'-TTCAGTAACCAGATGCGGCAGAGCCTGGCGCATAGTGTGGACTTCACGAGGCCTGGGACG[G>A]TGAGGCTCTGCGCTCAGGGCAGGGTGCCCGTGGTCTATCCCCCCAAATTTAAAAAGAATG-3'